The following is an entry in ClinVar:

ClinVar aggregate classification (germline): Uncertain significance. Review status: criteria provided, multiple submitters, no conflicts (2 of 4 stars). 2 submissions from 2 submitters: Uncertain significance (2). Last evaluated 2023-10-06.

Conditions:
Inborn genetic diseases. Identifiers: MedGen C0950123, MeSH D030342.

Allele frequency attached by ClinVar (database versions not stated): ExAC 0.00001.
gnomAD v4.1: 18 of 1,612,324 alleles (0.0011%); highest among the groups gnomAD compares: Admixed American, 0.0017%; no homozygotes.

Submissions (2):

Ambry Genetics
Classification: Uncertain significance for Inborn genetic diseases. Last evaluated: 2023-10-06. Review status: criteria provided, single submitter. Criteria: Ambry Variant Classification Scheme 2023. Collection method: clinical testing. Allele origin: germline.

Labcorp Genetics (formerly Invitae), Labcorp
Classification: Uncertain significance. Last evaluated: 2022-08-22. Review status: criteria provided, single submitter. Criteria: Invitae Variant Classification Sherloc (09022015). Collection method: clinical testing. Allele origin: germline.
Comment: This sequence change replaces arginine, which is basic and polar, with tryptophan, which is neutral and slightly polar, at codon 265 of the DDRGK1 protein (p.Arg265Trp). This variant is present in population databases (rs781609753, gnomAD 0.003%). This variant has not been reported in the literature in individuals affected with DDRGK1-related conditions. Algorithms developed to predict the effect of missense changes on protein structure and function are either unavailable or do not agree on the potential impact of this missense change (SIFT: "Not Available"; PolyPhen-2: "Possibly Damaging"; Align-GVGD: "Not Available"). In summary, the available evidence is currently insufficient to determine the role of this variant in disease. Therefore, it has been classified as a Variant of Uncertain Significance.

NM_023935.3(DDRGK1):c.793C>T (p.Arg265Trp)

Gene: DDRGK1 (DDRGK domain containing 1; minus strand). Cytogenetic location: 20p13.
Variant type: single nucleotide variant.
Coding change: c.793C>T on transcript NM_023935.3 (MANE Select); coding-DNA position 793, C replaced by T.
Protein change: p.Arg265Trp; replaces arginine 265 with tryptophan.
Molecular consequence: missense variant.
Genome position (GRCh38, 1-based): chr20:3,190,805, G>A on the plus strand (C>T on the coding strand, the complement: DDRGK1 is on the minus strand). VCF-style: chr20-3190805-G-A. GRCh37 (hg19) VCF-style: chr20-3171451-G-A.
Other names: c.793C>T (NM_023935.1); short protein forms R265W.
Identifiers: ClinVar variation 1914625 (VCV001914625.3), dbSNP rs781609753, ClinGen allele CA9740746.